The following is an entry in ClinVar:

NM_001142864.4(PIEZO1):c.1908C>T (p.Tyr636=)

Genes: PIEZO1 (piezo type mechanosensitive ion channel component 1 (Er blood group); minus strand), HSALR1 (HSP90AB1 associated lncRNA 1; plus strand). Cytogenetic location: 16q24.3.
Variant type: single nucleotide variant.
Coding change: c.1908C>T on transcript NM_001142864.4 (MANE Select); coding-DNA position 1908, C replaced by T.
Protein change: p.Tyr636=; no amino-acid change (tyrosine 636 retained).
Molecular consequence: synonymous variant.
Genome position (GRCh38, 1-based): chr16:88,734,739, G>A on the plus strand (C>T on the coding strand, the complement: PIEZO1 is on the minus strand). VCF-style: chr16-88734739-G-A. GRCh37 (hg19) VCF-style: chr16-88801147-G-A.
Other names: c.453C>T, p.Tyr151= (NM_014745.1).
Identifiers: ClinVar variation 3025644 (VCV003025644.22), dbSNP rs1001652055, ClinGen allele CA286424596.

ClinVar aggregate classification (germline): Likely benign (1 of 4 stars; one submission).

Allele frequency attached by ClinVar (database versions not stated): gnomAD exomes 0.00001; TOPMed 0.00003; gnomAD 0.00004.
gnomAD v4.1: 38 of 1,550,280 alleles (0.0025%); highest among the groups gnomAD compares: African/African-American, 0.023%; no homozygotes.

Submission:

CeGaT Center for Human Genetics Tuebingen
Classification: Likely benign. Last evaluated: 2024-01-01. Review status: criteria provided, single submitter. Criteria: CeGaT Center For Human Genetics Tuebingen Variant Classification Criteria Version 2. Collection method: clinical testing. Allele origin: germline. Affected: yes. Observed: 1 variant allele.
Comment: PIEZO1: BP4, BP7